The following is an entry in ClinVar:

ClinVar aggregate classification (germline): Uncertain significance (1 of 4 stars; one submission).

Allele frequency attached by ClinVar (database versions not stated): gnomAD exomes below 0.00001; ExAC 0.00001; gnomAD 0.00001.
gnomAD v4.1: 11 of 1,613,852 alleles (0.00068%); highest among the groups gnomAD compares: Admixed American, 0.0017%; no homozygotes.

Submission:

Labcorp Genetics (formerly Invitae), Labcorp
Classification: Uncertain significance. Last evaluated: 2024-01-28. Review status: criteria provided, single submitter. Criteria: Invitae Variant Classification Sherloc (09022015). Collection method: clinical testing. Allele origin: germline.
Comment: This sequence change falls in intron 5 of the DLST gene. It does not directly change the encoded amino acid sequence of the DLST protein. This variant is present in population databases (rs780244844, gnomAD 0.003%). This variant has not been reported in the literature in individuals affected with DLST-related conditions. In summary, the available evidence is currently insufficient to determine the role of this variant in disease. Therefore, it has been classified as a Variant of Uncertain Significance.

NM_001933.5(DLST):c.275-9T>C

Gene: DLST (dihydrolipoamide S-succinyltransferase; plus strand). Cytogenetic location: 14q24.3.
Variant type: single nucleotide variant.
Coding change: c.275-9T>C on transcript NM_001933.5 (MANE Select); 9 bases into the intron before coding-DNA position 275, T replaced by C.
Molecular consequence: intron variant.
Genome position (GRCh38, 1-based): chr14:74,889,888, T>C. VCF-style: chr14-74889888-T-C. GRCh37 (hg19) VCF-style: chr14-75356591-T-C.
Other names: c.275-9T>C (NM_001244883.2).
Identifiers: ClinVar variation 3009148 (VCV003009148.3), dbSNP rs780244844, ClinGen allele CA7273430.